The following is an entry in ClinVar:

NM_000138.5(FBN1):c.5117G>A (p.Cys1706Tyr)

Gene: FBN1 (fibrillin 1; minus strand). Cytogenetic location: 15q21.1.
Variant type: single nucleotide variant.
Coding change: c.5117G>A on transcript NM_000138.5 (MANE Select); coding-DNA position 5117, G replaced by A.
Protein change: p.Cys1706Tyr; replaces cysteine 1706 with tyrosine.
Molecular consequence: missense variant.
Genome position (GRCh38, 1-based): chr15:48,463,189, C>T on the plus strand (G>A on the coding strand, the complement: FBN1 is on the minus strand). VCF-style: chr15-48463189-C-T. GRCh37 (hg19) VCF-style: chr15-48755386-C-T.
Other names: c.5117G>A, p.Cys1706Tyr (NM_001406716.1); short protein forms C1706Y.
Identifiers: ClinVar variation 2137690 (VCV002137690.4), dbSNP rs2505491185, ClinGen allele CA392349272.

ClinVar aggregate classification (germline): Pathogenic (1 of 4 stars; one submission).

Conditions:
Familial thoracic aortic aneurysm and aortic dissection (TAAD). Also called: Thoracic aortic aneurysms and dissections. Identifiers: Orphanet 91387, MedGen C4707243, MONDO:0019625.
Marfan syndrome (MFS). Also called: MARFAN SYNDROME, TYPE I; Marfan syndrome type 1; Marfan's syndrome; Marfan syndrome, classic; FBN1-Related Marfan Syndrome. Identifiers: Orphanet 284963, Orphanet 558, MedGen C0024796, MONDO:0007947, OMIM 154700.

Submission:

Labcorp Genetics (formerly Invitae), Labcorp
Classification: Pathogenic for Marfan syndrome; Familial thoracic aortic aneurysm and aortic dissection. Last evaluated: 2022-09-24. Review status: criteria provided, single submitter. Criteria: Invitae Variant Classification Sherloc (09022015). Collection method: clinical testing. Allele origin: germline.
Comment: This variant affects a cysteine residue in the EGF-like, TGFBP or hybrid motif domains of FBN1. Cysteine residues are believed to be involved in intramolecular disulfide bridges and have been shown to be important for FBN1 protein structure (PMID: 16905551, 19349279). In addition, missense substitutions affecting cysteine residues within these domains are significantly overrepresented among patients with Marfan syndrome (PMID: 16571647, 17701892). Advanced modeling of protein sequence and biophysical properties (such as structural, functional, and spatial information, amino acid conservation, physicochemical variation, residue mobility, and thermodynamic stability) performed at Invitae indicates that this missense variant is expected to disrupt FBN1 protein function. This missense change has been observed in individual(s) with geleophysic dysplasias (PMID: 21683322). In at least one individual the variant was observed to be de novo. This variant is not present in population databases (gnomAD no frequency). This sequence change replaces cysteine, which is neutral and slightly polar, with tyrosine, which is neutral and polar, at codon 1706 of the FBN1 protein (p.Cys1706Tyr). For these reasons, this variant has been classified as Pathogenic.

Literature cited by the submitters: PubMed 16905551; PubMed 19349279; PubMed 16571647; PubMed 17701892; PubMed 21683322.